The following is an entry in ClinVar:

ClinVar aggregate classification (germline): Likely benign. Review status: criteria provided, multiple submitters, no conflicts (2 of 4 stars). 2 submissions from 2 submitters: Likely benign (2). Last evaluated 2023-07-01.

Allele frequency attached by ClinVar (database versions not stated): gnomAD exomes below 0.00001; TOPMed 0.00001.
gnomAD v4.1: 7 of 1,612,778 alleles (0.00043%); highest among the groups gnomAD compares: African/African-American, 0.0027%; no homozygotes.

Submissions (2):

CeGaT Center for Human Genetics Tuebingen
Classification: Likely benign. Last evaluated: 2023-07-01. Review status: criteria provided, single submitter. Criteria: CeGaT Center For Human Genetics Tuebingen Variant Classification Criteria Version 2. Collection method: clinical testing. Allele origin: germline. Affected: yes. Observed: 1 variant allele.
Comment: WDR1: PM2:Supporting, BP4, BP7

Labcorp Genetics (formerly Invitae), Labcorp
Classification: Likely benign. Last evaluated: 2022-08-23. Review status: criteria provided, single submitter. Criteria: Invitae Variant Classification Sherloc (09022015). Collection method: clinical testing. Allele origin: germline.

NM_017491.5(WDR1):c.1344C>T (p.Pro448=)

Gene: WDR1 (WD repeat domain 1; minus strand). Cytogenetic location: 4p16.1.
Variant type: single nucleotide variant.
Coding change: c.1344C>T on transcript NM_017491.5 (MANE Select); coding-DNA position 1344, C replaced by T.
Protein change: p.Pro448=; no amino-acid change (proline 448 retained).
Molecular consequence: synonymous variant.
Genome position (GRCh38, 1-based): chr4:10,078,942, G>A on the plus strand (C>T on the coding strand, the complement: WDR1 is on the minus strand). VCF-style: chr4-10078942-G-A. GRCh37 (hg19) VCF-style: chr4-10080566-G-A.
Other names: c.924C>T, p.Pro308= (NM_005112.5).
Identifiers: ClinVar variation 1624818 (VCV001624818.34), dbSNP rs1481467978, ClinGen allele CA438531875.